The following is an entry in ClinVar:

ClinVar aggregate classification (germline): Uncertain significance. Review status: criteria provided, multiple submitters, no conflicts (2 of 4 stars). 2 submissions from 2 submitters: Uncertain significance (2). Last evaluated 2026-05-04.

Conditions:
Inborn genetic diseases. Identifiers: MedGen C0950123, MeSH D030342.
Monocytopenia with susceptibility to infections. Also called: IMMUNODEFICIENCY 21; GATA2 DEFICIENCY; MONOCYTOPENIA AND MYCOBACTERIAL INFECTION SYNDROME; MONOCYTOPENIA WITH SUSCEPTIBILITY TO MYCOBACTERIAL, FUNGAL, AND PAPILLOMAVIRUS INFECTIONS AND MYELODYSPLASIA; COMBINED IMMUNODEFICIENCY WITH SUSCEPTIBILITY TO MYCOBACTERIAL, VIRAL, AND FUNGAL INFECTIONS; Dendritic cell, monocyte, B lymphocyte, and natural killer lymphocyte deficiency. Identifiers: Orphanet 228423, MedGen C3280030, MONDO:0013607, OMIM 614172.
Deafness-lymphedema-leukemia syndrome. Also called: Emberger syndrome; Lymphedema, primary, with myelodysplasia. Identifiers: Orphanet 3226, MedGen C3279664, MONDO:0013540, OMIM 614038.

Allele frequency attached by ClinVar (database versions not stated): gnomAD exomes below 0.00001.
gnomAD v4.1: 2 of 1,612,428 alleles (0.00012%); highest among the groups gnomAD compares: Non-Finnish European, 0.00017%; no homozygotes.

Submissions (2):

Ambry Genetics
Classification: Uncertain significance for Inborn genetic diseases. Last evaluated: 2026-05-04. Review status: criteria provided, single submitter. Criteria: Ambry Variant Classification Scheme 2023. Collection method: clinical testing. Allele origin: germline.
Comment: The p.P58L variant (also known as c.173C>T), located in coding exon 1 of the GATA2 gene, results from a C to T substitution at nucleotide position 173. The proline at codon 58 is replaced by leucine, an amino acid with similar properties. This amino acid position is conserved. In addition, this alteration is predicted to be deleterious by in silico analysis. Based on the available evidence, the clinical significance of this variant remains unclear.

Labcorp Genetics (formerly Invitae), Labcorp
Classification: Uncertain significance for Monocytopenia with susceptibility to infections; Deafness-lymphedema-leukemia syndrome. Last evaluated: 2022-02-18. Review status: criteria provided, single submitter. Criteria: Invitae Variant Classification Sherloc (09022015). Collection method: clinical testing. Allele origin: germline.
Comment: In summary, the available evidence is currently insufficient to determine the role of this variant in disease. Therefore, it has been classified as a Variant of Uncertain Significance. Algorithms developed to predict the effect of missense changes on protein structure and function are either unavailable or do not agree on the potential impact of this missense change (SIFT: "Tolerated"; PolyPhen-2: "Probably Damaging"; Align-GVGD: "Class C0"). This variant has not been reported in the literature in individuals affected with GATA2-related conditions. This variant is not present in population databases (gnomAD no frequency). This sequence change replaces proline, which is neutral and non-polar, with leucine, which is neutral and non-polar, at codon 58 of the GATA2 protein (p.Pro58Leu).

NM_032638.5(GATA2):c.173C>T (p.Pro58Leu)

Gene: GATA2 (GATA binding protein 2; minus strand). Cytogenetic location: 3q21.3.
Variant type: single nucleotide variant.
Coding change: c.173C>T on transcript NM_032638.5 (MANE Select); coding-DNA position 173, C replaced by T.
Protein change: p.Pro58Leu; replaces proline 58 with leucine.
Molecular consequence: missense variant.
Genome position (GRCh38, 1-based): chr3:128,486,859, G>A on the plus strand (C>T on the coding strand, the complement: GATA2 is on the minus strand). VCF-style: chr3-128486859-G-A. GRCh37 (hg19) VCF-style: chr3-128205702-G-A.
Other names: c.173C>T, p.Pro58Leu (NM_001145661.2, NM_001145662.1); short protein forms P58L.
Identifiers: ClinVar variation 2061644 (VCV002061644.5), dbSNP rs2107673477, ClinGen allele CA354408471.
Genomic context (GRCh38, chr3:128,486,859, plus strand): 5'-TCACCGTGCGCGGGGCTGTAGGAGACGCGCGCCCGCGCGTGAGCGGGGTTGGCATAGTAG[G>A]GGTTGCCCTGCGAGTCGAGGTGATTGAAGAAGACGTCCACCTCGTCTGGAGGCAGCAGCT-3'
Protein context (NP_116027.2, residues 48-68): FFNHLDSQGN[Pro58Leu]YYANPAHARA